The following is an entry in ClinVar:

NM_024700.4(SNIP1):c.538G>A (p.Glu180Lys)

Genes: SNIP1 (Smad nuclear interacting protein 1; minus strand), LOC126805704 (BRD4-independent group 4 enhancer GRCh37_chr1:38005292-38006491; plus strand). Cytogenetic location: 1p34.3.
Variant type: single nucleotide variant.
Coding change: c.538G>A on transcript NM_024700.4 (MANE Select); coding-DNA position 538, G replaced by A.
Protein change: p.Glu180Lys; replaces glutamic acid 180 with lysine.
Molecular consequence: missense variant.
Genome position (GRCh38, 1-based): chr1:37,540,545, C>T on the plus strand (G>A on the coding strand, the complement: SNIP1 is on the minus strand). VCF-style: chr1-37540545-C-T. GRCh37 (hg19) VCF-style: chr1-38006146-C-T.
Other names: short protein forms E180K.
Identifiers: ClinVar variation 2768911 (VCV002768911.3), dbSNP rs556218762, ClinGen allele CA771311.

ClinVar aggregate classification (germline): Uncertain significance (1 of 4 stars; one submission).

Allele frequency attached by ClinVar (database versions not stated): gnomAD exomes below 0.00001; TOPMed below 0.00001; ExAC 0.00001; gnomAD 0.00002; 1000 Genomes Project 30x 0.00016; 1000 Genomes Project 0.00020.
gnomAD v4.1: 5 of 1,614,136 alleles (0.00031%); highest among the groups gnomAD compares: African/African-American, 0.0067%; no homozygotes.

Submission:

Labcorp Genetics (formerly Invitae), Labcorp
Classification: Uncertain significance. Last evaluated: 2023-10-16. Review status: criteria provided, single submitter. Criteria: Invitae Variant Classification Sherloc (09022015). Collection method: clinical testing. Allele origin: germline.
Comment: This sequence change replaces glutamic acid, which is acidic and polar, with lysine, which is basic and polar, at codon 180 of the SNIP1 protein (p.Glu180Lys). This variant is present in population databases (rs556218762, gnomAD 0.01%). This variant has not been reported in the literature in individuals affected with SNIP1-related conditions. Advanced modeling of protein sequence and biophysical properties (such as structural, functional, and spatial information, amino acid conservation, physicochemical variation, residue mobility, and thermodynamic stability) performed at Invitae indicates that this missense variant is not expected to disrupt SNIP1 protein function. In summary, the available evidence is currently insufficient to determine the role of this variant in disease. Therefore, it has been classified as a Variant of Uncertain Significance.